The following is an entry in ClinVar:

NM_000642.3(AGL):c.1945A>G (p.Met649Val)

Gene: AGL (amylo-alpha-1,6-glucosidase and 4-alpha-glucanotransferase; plus strand). Cytogenetic location: 1p21.2.
Variant type: single nucleotide variant.
Coding change: c.1945A>G on transcript NM_000642.3 (MANE Select); coding-DNA position 1945, A replaced by G.
Protein change: p.Met649Val; replaces methionine 649 with valine.
Molecular consequence: missense variant.
Genome position (GRCh38, 1-based): chr1:99,881,121, A>G. VCF-style: chr1-99881121-A-G. GRCh37 (hg19) VCF-style: chr1-100346677-A-G.
Other names: c.1945A>G, p.Met649Val (NM_000028.3, NM_000643.3, NM_000644.3 and 2 more transcripts); c.1897A>G, p.Met633Val (NM_000646.3); c.1744A>G, p.Met582Val (NM_001425327.1); c.1741A>G, p.Met581Val (NM_001425328.1, NM_001425329.1); c.1567A>G, p.Met523Val (NM_001425332.1); short protein forms M633V, M649V, M523V, M581V, M582V.
Identifiers: ClinVar variation 1026547 (VCV001026547.7), dbSNP rs1277302034, ClinGen allele CA341318025.
Genomic context (GRCh38, chr1:99,881,121, plus strand): 5'-GTTGTTGTCTTCTAGCATAGATCAGCGTATGATGCTCTTCCAAGTACTACAATTGTTTCT[A>G]TGGCATGTTGTGCTAGTGGAAGTACAAGAGGCTATGATGAATTAGTGCCTCATCAGGTTT-3'
Protein context (NP_000633.2, residues 639-659): DALPSTTIVS[Met649Val]ACCASGSTRG

ClinVar aggregate classification (germline): Uncertain significance (1 of 4 stars; one submission).

Conditions:
Glycogen storage disease type III (GSD3). Also called: Cori disease; FORBES DISEASE. Identifiers: Orphanet 366, MedGen C0017922, MONDO:0009291, OMIM 232400.

Allele frequency attached by ClinVar (database versions not stated): gnomAD exomes below 0.00001.
gnomAD v4.1: 4 of 1,613,988 alleles (0.00025%); highest among the groups gnomAD compares: East Asian, 0.0022%; no homozygotes.

Submission:

Labcorp Genetics (formerly Invitae), Labcorp
Classification: Uncertain significance for Glycogen storage disease type III. Last evaluated: 2020-09-02. Review status: criteria provided, single submitter. Criteria: Invitae Variant Classification Sherloc (09022015). Collection method: clinical testing. Allele origin: germline.
Comment: Algorithms developed to predict the effect of missense changes on protein structure and function are either unavailable or do not agree on the potential impact of this missense change (SIFT: "Deleterious"; PolyPhen-2: "Benign"; Align-GVGD: "Class C0"). This variant has not been reported in the literature in individuals with AGL-related conditions. This variant is not present in population databases (ExAC no frequency). This sequence change replaces methionine with valine at codon 649 of the AGL protein (p.Met649Val). The methionine residue is moderately conserved and there is a small physicochemical difference between methionine and valine. In summary, the available evidence is currently insufficient to determine the role of this variant in disease. Therefore, it has been classified as a Variant of Uncertain Significance.